The following is an entry in ClinVar:

ClinVar aggregate classification (germline): Uncertain significance (1 of 4 stars; one submission).

Conditions:
Familial cancer of breast. Also called: hereditary breast carcinoma; BREAST CANCER, FAMILIAL; Hereditary breast cancer. Identifiers: Orphanet 227535, MedGen C0346153, MONDO:0016419, OMIM 114480. Disease mechanism: loss of function.

Submission:

Labcorp Genetics (formerly Invitae), Labcorp
Classification: Uncertain significance for Familial cancer of breast. Last evaluated: 2026-01-10. Review status: criteria provided, single submitter. Criteria: Invitae Variant Classification Sherloc (09022015). Collection method: clinical testing. Allele origin: germline.
Comment: This sequence change replaces valine, which is neutral and non-polar, with leucine, which is neutral and non-polar, at codon 932 of the PALB2 protein (p.Val932Leu). This variant is not present in population databases (gnomAD no frequency). This variant has not been reported in the literature in individuals affected with PALB2-related conditions. Invitae Evidence Modeling of protein sequence and biophysical properties (such as structural, functional, and spatial information, amino acid conservation, physicochemical variation, residue mobility, and thermodynamic stability) has been performed for this missense variant. However, the output from this modeling did not meet the statistical confidence thresholds required to predict the impact of this variant on PALB2 protein function. In summary, the available evidence is currently insufficient to determine the role of this variant in disease. Therefore, it has been classified as a Variant of Uncertain Significance.

NM_024675.4(PALB2):c.2794G>T (p.Val932Leu)

Gene: PALB2 (partner and localizer of BRCA2; minus strand). Cytogenetic location: 16p12.2.
Variant type: single nucleotide variant.
Coding change: c.2794G>T on transcript NM_024675.4 (MANE Select); coding-DNA position 2794, G replaced by T.
Protein change: p.Val932Leu; replaces valine 932 with leucine.
Molecular consequence: missense variant.
Genome position (GRCh38, 1-based): chr16:23,624,049, C>A on the plus strand (G>T on the coding strand, the complement: PALB2 is on the minus strand). VCF-style: chr16-23624049-C-A. GRCh37 (hg19) VCF-style: chr16-23635370-C-A.
Other names: c.2734G>T, p.Val912Leu (NM_001407296.1); c.2722G>T, p.Val908Leu (NM_001407297.1); c.2632G>T, p.Val878Leu (NM_001407298.1, NM_001407302.1); c.2794G>T, p.Val932Leu (NM_001407299.1, NM_001407300.1, NM_001407301.1); c.1909G>T, p.Val637Leu (NM_001407304.1, NM_001407305.1, NM_001407306.1 and 4 more transcripts); c.1747G>T, p.Val583Leu (NM_001407307.1); c.1006G>T, p.Val336Leu (NM_001407312.1, NM_001407313.1); c.328G>T, p.Val110Leu (NM_001407314.1); short protein forms V908L, V336L, V912L, V110L, V583L, V637L, V878L, V932L.
Identifiers: ClinVar variation 4705591 (VCV004705591.1).